The following is an entry in ClinVar:

ClinVar aggregate classification (germline): Benign/Likely benign. Review status: criteria provided, multiple submitters, no conflicts (2 of 4 stars). 2 submissions from 2 submitters: Benign (1); Likely benign (1). Last evaluated 2025-02-26.

Conditions:
Hereditary cancer-predisposing syndrome. Also called: Neoplastic Syndromes, Hereditary; Tumor predisposition; Hereditary Cancer Syndrome; Hereditary neoplastic syndrome. Identifiers: Orphanet 140162, MedGen C0027672, MeSH D009386, MONDO:0015356.
Multiple endocrine neoplasia type 2A. Also called: Multiple Endocrine Neoplasia Type 2A (MEN2A); MULTIPLE ENDOCRINE NEOPLASIA, TYPE IIA; PTC SYNDROME; SIPPLE SYNDROME; MEN 2A; MEN-2A syndrome. Identifiers: Orphanet 247698, Orphanet 653, MedGen C0025268, MeSH D018813, MONDO:0008234, OMIM 171400.

Submissions (2):

Myriad Genetics, Inc.
Classification: Benign for Multiple endocrine neoplasia type 2A. Last evaluated: 2025-02-26. Review status: criteria provided, single submitter. Criteria: Myriad Autosomal Dominant, Autosomal Recessive and X-Linked Classification Criteria (2023). Collection method: clinical testing. Allele origin: unknown.
Comment: This variant is considered benign. This variant is a silent/synonymous amino acid change and it is not expected to impact splicing.

Ambry Genetics
Classification: Likely benign for Hereditary cancer-predisposing syndrome. Last evaluated: 2019-08-24. Review status: criteria provided, single submitter. Criteria: Ambry Variant Classification Scheme 2023. Collection method: clinical testing. Allele origin: germline.

NM_020975.6(RET):c.1980C>T (p.Tyr660=)

Gene: RET (ret proto-oncogene; plus strand). Cytogenetic location: 10q11.21.
Variant type: single nucleotide variant.
Coding change: c.1980C>T on transcript NM_020975.6 (MANE Select); coding-DNA position 1980, C replaced by T.
Protein change: p.Tyr660=; no amino-acid change (tyrosine 660 retained).
Molecular consequence: synonymous variant. On other transcripts: intron variant (4).
Genome position (GRCh38, 1-based): chr10:43,114,580, C>T. VCF-style: chr10-43114580-C-T. GRCh37 (hg19) VCF-style: chr10-43610028-C-T.
Other names: c.1980C>T, p.Tyr660= (NM_000323.2, NM_001406743.1, NM_001406744.1 and 4 more transcripts); c.1218C>T, p.Tyr406= (NM_001355216.2); c.1851C>T, p.Tyr617= (NM_001406761.1, NM_001406762.1, NM_001406764.1); c.1692C>T, p.Tyr564= (NM_001406766.1, NM_001406767.1, NM_001406770.1); c.1584C>T, p.Tyr528= (NM_001406769.1, NM_001406772.1); c.1542C>T, p.Tyr514= (NM_001406771.1, NM_001406773.1); c.1455C>T, p.Tyr485= (NM_001406774.1); c.1254C>T, p.Tyr418= (NM_001406775.1, NM_001406776.1, NM_001406777.1 and 1 more transcripts); and 10 more.
Identifiers: ClinVar variation 1783802 (VCV001783802.3), dbSNP rs2132848533, ClinGen allele CA469479782.